The following is an entry in ClinVar:

ClinVar aggregate classification (germline): Uncertain significance (1 of 4 stars; one submission).

Submission:

Ambry Genetics
Classification: Uncertain significance. Last evaluated: 2025-08-28. Review status: criteria provided, single submitter. Criteria: Ambry Variant Classification Scheme 2023. Collection method: clinical testing. Allele origin: germline.
Comment: The p.V444E variant (also known as c.1331T>A), located in coding exon 10 of the RECQL gene, results from a T to A substitution at nucleotide position 1331. The valine at codon 444 is replaced by glutamic acid, an amino acid with dissimilar properties. This amino acid position is highly conserved in available vertebrate species. In addition, the in silico prediction for this alteration is inconclusive. Since supporting evidence is limited at this time, the clinical significance of this alteration remains unclear.

NM_002907.4(RECQL):c.1331T>A (p.Val444Glu)

Gene: RECQL (RecQ like helicase; minus strand). Cytogenetic location: 12p12.1.
Variant type: single nucleotide variant.
Coding change: c.1331T>A on transcript NM_002907.4 (MANE Select); coding-DNA position 1331, T replaced by A.
Protein change: p.Val444Glu; replaces valine 444 with glutamic acid.
Molecular consequence: missense variant.
Genome position (GRCh38, 1-based): chr12:21,474,865, A>T on the plus strand (T>A on the coding strand, the complement: RECQL is on the minus strand). VCF-style: chr12-21474865-A-T. GRCh37 (hg19) VCF-style: chr12-21627799-A-T.
Other names: c.1331T>A, p.Val444Glu (NM_032941.3); short protein forms V444E.
Identifiers: ClinVar variation 1770154 (VCV001770154.3), dbSNP rs2540340400, ClinGen allele CA384118248.